The following is an entry in ClinVar:

ClinVar aggregate classification (germline): Pathogenic (1 of 4 stars; one submission).

Conditions:
Duchenne muscular dystrophy (DMD). Also called: Duchenne Muscular Dystrophy (DMD); MUSCULAR DYSTROPHY, PSEUDOHYPERTROPHIC PROGRESSIVE, DUCHENNE TYPE. Identifiers: Orphanet 98896, MedGen C0013264, MONDO:0010679, OMIM 310200.

Submission:

Labcorp Genetics (formerly Invitae), Labcorp
Classification: Pathogenic for Duchenne muscular dystrophy. Last evaluated: 2022-03-07. Review status: criteria provided, single submitter. Criteria: Invitae Variant Classification Sherloc (09022015). Collection method: clinical testing. Allele origin: germline.
Comment: This variant results in the deletion of exons 49-51 and part of exon 48 (c.7028_7542+6040delinsATCA) of the DMD gene. It is expected to disrupt RNA splicing. Variants that disrupt the donor or acceptor splice site typically lead to a loss of protein function (PMID: 16199547), and loss-of-function variants in DMD are known to be pathogenic (PMID: 16770791, 25007885). This variant has not been reported in the literature in individuals affected with DMD-related conditions. For these reasons, this variant has been classified as Pathogenic. This variant disrupts a region of the DMD protein in which other variant(s) (exon 49 deletion) have been determined to be pathogenic (PMID: 26081009, 27854212, 28610567). This suggests that this is a clinically significant region of the protein, and that variants that disrupt it are likely to be disease-causing.

Literature cited by the submitters: PubMed 16199547; PubMed 16770791; PubMed 25007885; PubMed 26081009; PubMed 27854212; PubMed 28610567.

NC_000023.10:g.(?_31786037)_(31893375_?)del

Gene: DMD (dystrophin; minus strand). Cytogenetic location: Xp21.1.
Variant type: Deletion.
Identifiers: ClinVar variation 2425006 (VCV002425006.5).